The following is an entry in ClinVar:

ClinVar aggregate classification (germline): Uncertain significance (1 of 4 stars; one submission).

Conditions:
Aortic aneurysm, familial thoracic 4 (AAT4). Also called: AORTIC ANEURYSM/AORTIC DISSECTION AND PATENT DUCTUS ARTERIOSUS. Identifiers: MedGen C1851504, MONDO:0007568, OMIM 132900.

Submission:

Labcorp Genetics (formerly Invitae), Labcorp
Classification: Uncertain significance for Aortic aneurysm, familial thoracic 4. Last evaluated: 2024-07-30. Review status: criteria provided, single submitter. Criteria: Invitae Variant Classification Sherloc (09022015). Collection method: clinical testing. Allele origin: germline.
Comment: This sequence change replaces lysine, which is basic and polar, with arginine, which is basic and polar, at codon 1028 of the MYH11 protein (p.Lys1028Arg). This variant is not present in population databases (gnomAD no frequency). This variant has not been reported in the literature in individuals affected with MYH11-related conditions. Advanced modeling of protein sequence and biophysical properties (such as structural, functional, and spatial information, amino acid conservation, physicochemical variation, residue mobility, and thermodynamic stability) performed at Invitae indicates that this missense variant is not expected to disrupt MYH11 protein function with a negative predictive value of 95%. In summary, the available evidence is currently insufficient to determine the role of this variant in disease. Therefore, it has been classified as a Variant of Uncertain Significance.

NM_002474.3(MYH11):c.3062A>G (p.Lys1021Arg)

Gene: MYH11 (myosin heavy chain 11; minus strand). Cytogenetic location: 16p13.11.
Variant type: single nucleotide variant.
Coding change: c.3062A>G on transcript NM_002474.3 (MANE Select); coding-DNA position 3062, A replaced by G.
Protein change: p.Lys1021Arg; replaces lysine 1021 with arginine.
Molecular consequence: missense variant.
Genome position (GRCh38, 1-based): chr16:15,738,624, T>C on the plus strand (A>G on the coding strand, the complement: MYH11 is on the minus strand). VCF-style: chr16-15738624-T-C. GRCh37 (hg19) VCF-style: chr16-15832481-T-C.
Other names: c.3083A>G, p.Lys1028Arg (NM_001040113.2, NM_001040114.2); c.3062A>G, p.Lys1021Arg (NM_022844.3); short protein forms K1021R, K1028R.
Identifiers: ClinVar variation 3614644 (VCV003614644.2).